The following is an entry in ClinVar:

NM_005654.6(NR2F1):c.854C>T (p.Ser285Leu)

Gene: NR2F1 (nuclear receptor subfamily 2 group F member 1; plus strand). Cytogenetic location: 5q15.
Variant type: single nucleotide variant.
Coding change: c.854C>T on transcript NM_005654.6 (MANE Select); coding-DNA position 854, C replaced by T.
Protein change: p.Ser285Leu; replaces serine 285 with leucine.
Molecular consequence: missense variant.
Genome position (GRCh38, 1-based): chr5:93,588,307, C>T. VCF-style: chr5-93588307-C-T. GRCh37 (hg19) VCF-style: chr5-92924013-C-T.
Other names: short protein forms S285L.
Identifiers: ClinVar variation 1307701 (VCV001307701.2), dbSNP rs2149943117, ClinGen allele CA360527227.

ClinVar aggregate classification (germline): Uncertain significance (1 of 4 stars; one submission).

Submission:

GeneDx
Classification: Uncertain significance. Last evaluated: 2019-08-15. Review status: criteria provided, single submitter. Criteria: GeneDx Variant Classification Process June 2021. Collection method: clinical testing. Allele origin: germline. Affected: yes.
Comment: Not observed in large population cohorts (Lek et al., 2016); In silico analysis, which includes protein predictors and evolutionary conservation, supports a deleterious effect; Has not been previously published as pathogenic or benign to our knowledge